The following is an entry in ClinVar:

NM_001148.6(ANK2):c.11270T>C (p.Met3757Thr)

Gene: ANK2 (ankyrin 2; plus strand). Cytogenetic location: 4q26.
Variant type: single nucleotide variant.
Coding change: c.11270T>C on transcript NM_001148.6 (MANE Select); coding-DNA position 11270, T replaced by C.
Protein change: p.Met3757Thr; replaces methionine 3757 with threonine.
Molecular consequence: missense variant.
Genome position (GRCh38, 1-based): chr4:113,367,803, T>C. VCF-style: chr4-113367803-T-C. GRCh37 (hg19) VCF-style: chr4-114288959-T-C.
Other names: c.4781T>C, p.Met1594Thr (NM_001386154.1, NM_001354274.2); c.4754T>C, p.Met1585Thr (NM_001386156.1, NM_001354257.2); c.4631T>C, p.Met1544Thr (NM_001386157.1, NM_001354277.2); c.4949T>C, p.Met1650Thr (NM_001386161.1, NM_001354244.2, NM_001354256.2); c.4829T>C, p.Met1610Thr (NM_001386162.1, NM_001354276.2, NM_001354249.2 and 2 more transcripts); c.4532T>C, p.Met1511Thr (NM_001386158.1); c.4859T>C, p.Met1620Thr (NM_001386160.1); c.7670T>C, p.Met2557Thr (NM_001386166.1); and 35 more; short protein forms M1511T, M1544T, M1572T, M1577T, M1585T, M1594T, M1597T, M1599T.
Identifiers: ClinVar variation 3625920 (VCV003625920.2).

ClinVar aggregate classification (germline): Uncertain significance (1 of 4 stars; one submission).

Conditions:
Long QT syndrome (LQTS). Identifiers: MedGen C0023976, MeSH D008133, MONDO:0002442. Disease mechanism: loss of function. Inheritance: Various modes of inheritance.

Submission:

Labcorp Genetics (formerly Invitae), Labcorp
Classification: Uncertain significance for Long QT syndrome. Last evaluated: 2024-09-02. Review status: criteria provided, single submitter. Criteria: Invitae Variant Classification Sherloc (09022015). Collection method: clinical testing. Allele origin: germline.
Comment: This sequence change replaces methionine, which is neutral and non-polar, with threonine, which is neutral and polar, at codon 3757 of the ANK2 protein (p.Met3757Thr). This variant is not present in population databases (gnomAD no frequency). This variant has not been reported in the literature in individuals affected with ANK2-related conditions. Invitae Evidence Modeling of protein sequence and biophysical properties (such as structural, functional, and spatial information, amino acid conservation, physicochemical variation, residue mobility, and thermodynamic stability) indicates that this missense variant is not expected to disrupt ANK2 protein function with a negative predictive value of 80%. In summary, the available evidence is currently insufficient to determine the role of this variant in disease. Therefore, it has been classified as a Variant of Uncertain Significance.